The following is an entry in ClinVar:

ClinVar aggregate classification (germline): Likely benign. Review status: criteria provided, multiple submitters, no conflicts (2 of 4 stars). 6 submissions from 4 submitters: Likely benign (5). 1 of the submissions does not count toward it. Last evaluated 2026-04-28.

Conditions:
Neuropathy, hereditary sensory and autonomic, type 2A (HSAN2A). Also called: WNK1-Related HSAN2 (HSAN2A); HSAN IIA; ACROOSTEOLYSIS, GIACCAI TYPE; ACROOSTEOLYSIS, NEUROGENIC; MORVAN DISEASE; NEUROPATHY, CONGENITAL SENSORY. Identifiers: Orphanet 970, MedGen C2752089, MONDO:0024309, OMIM 201300.
Generalized epilepsy with febrile seizures plus, type 7 (GEFSP7). Also called: GEFS+, TYPE 7. Identifiers: Orphanet 36387, MedGen C2751778, MONDO:0013470, OMIM 613863.
SCN9A-related disorder. Also called: SCN9A-related disorders; SCN9A-related condition.
Paroxysmal extreme pain disorder (PEXPD). Also called: RECTAL PAIN, FAMILIAL; SCN9A Paroxysmal Extreme Pain Disorder (SCN9A-PEPD); PAIN, SUBMANDIBULAR, OCULAR, AND RECTAL, WITH FLUSHING. Identifiers: Orphanet 46348, MedGen C1833661, MONDO:0008179, OMIM 167400.
Primary erythromelalgia. Also called: primary erythermalgia; SCN9A Erythromelalgia (SCN9A-EM). Identifiers: Orphanet 306577, Orphanet 90026, MedGen C0014805, MONDO:0007571, OMIM 133020.
Channelopathy-associated congenital insensitivity to pain, autosomal recessive. Also called: ASYMBOLIA FOR PAIN; Insensitivity to pain, channelopathy-associated; CONGENITAL ANALGESIA, AUTOSOMAL RECESSIVE. Identifiers: Orphanet 88642, Orphanet 970, MedGen C1855739, MONDO:0009459, OMIM 243000.

Allele frequency attached by ClinVar (database versions not stated): gnomAD exomes 0.00004 and 0.00013; gnomAD 0.00006 and 0.00007; TOPMed 0.00009; 1000 Genomes Project 30x 0.00016; ExAC 0.00017.
gnomAD v4.1: 61 of 1,609,248 alleles (0.0038%); highest among the groups gnomAD compares: East Asian, 0.13%; 1 homozygote.

Submissions (6):

PreventionGenetics, part of Exact Sciences
Classification: Likely benign for SCN9A-related condition. Last evaluated: 2026-04-28. Review status: criteria provided, single submitter. Criteria: ACMG Guidelines, 2015. Collection method: clinical testing. Allele origin: germline.
Comment: This variant is classified as likely benign based on ACMG/AMP sequence variant interpretation guidelines (Richards et al. 2015 PMID: 25741868, with internal and published modifications).

Labcorp Genetics (formerly Invitae), Labcorp
Classification: Likely benign for Neuropathy, hereditary sensory and autonomic, type 2A; Generalized epilepsy with febrile seizures plus, type 7. Last evaluated: 2025-07-06. Review status: criteria provided, single submitter. Criteria: Invitae Variant Classification Sherloc (09022015). Collection method: clinical testing. Allele origin: germline.

Illumina Laboratory Services, Illumina
Classification: Likely benign for Primary erythromelalgia. Last evaluated: 2017-04-28. Review status: criteria provided, single submitter. Criteria: ICSL Variant Classification Criteria 13 December 2019. Collection method: clinical testing. Allele origin: germline.
Comment: This variant was observed as part of a predisposition screen in an ostensibly healthy population. A literature search was performed for the gene, cDNA change, and amino acid change (where applicable). No publications were found based on this search. Allele frequency data from public databases allowed determination this variant is unlikely to cause disease. Therefore, this variant is classified as likely benign.

Illumina Laboratory Services, Illumina
Classification: Likely benign for Channelopathy-associated congenital insensitivity to pain, autosomal recessive. Last evaluated: 2017-04-28. Review status: criteria provided, single submitter. Criteria: ICSL Variant Classification Criteria 13 December 2019. Collection method: clinical testing. Allele origin: germline.
Comment: the same text as in the submission from Illumina Laboratory Services, Illumina above.

Illumina Laboratory Services, Illumina
Classification: Likely benign for Paroxysmal extreme pain disorder. Last evaluated: 2017-04-28. Review status: criteria provided, single submitter. Criteria: ICSL Variant Classification Criteria 13 December 2019. Collection method: clinical testing. Allele origin: germline.
Comment: the same text as in the submission from Illumina Laboratory Services, Illumina above.

OMIM
Classification: Pathogenic for ERYTHERMALGIA, PRIMARY. Last evaluated: 2009-07-01. Review status: no assertion criteria provided. Collection method: literature only. Allele origin: germline. Not counted in ClinVar's aggregate classification.

Literature cited by the submitters: PubMed 19369487 (cited by OMIM).

NM_001365536.1(SCN9A):c.29A>G (p.Gln10Arg)

Gene: SCN9A (sodium voltage-gated channel alpha subunit 9; minus strand). Cytogenetic location: 2q24.3.
Variant type: single nucleotide variant.
Coding change: c.29A>G on transcript NM_001365536.1 (MANE Select); coding-DNA position 29, A replaced by G.
Protein change: p.Gln10Arg; replaces glutamine 10 with arginine.
Molecular consequence: missense variant.
Genome position (GRCh38, 1-based): chr2:166,311,728, T>C on the plus strand (A>G on the coding strand, the complement: SCN9A is on the minus strand). VCF-style: chr2-166311728-T-C. GRCh37 (hg19) VCF-style: chr2-167168238-T-C.
Other names: c.29A>G, p.Gln10Arg (NM_002977.4); short protein forms Q10R.
Identifiers: ClinVar variation 6370 (VCV000006370.17), dbSNP rs267607030, ClinGen allele CA253850.
Genomic context (GRCh38, chr2:166,311,728, plus strand): 5'-CTTTCAGCAATGCGTTGTTCAATGAGGGCAAGAGACTGTTTTGTGAAATGGACAAAGCTC[T>C]GAGGTCCTGGGGGAGGCAACATTGCCATCTTTTCATCCTGTATATTTTAATTCCTCTTCA-3'
Protein context (NP_001352465.1, residues 1-20): MAMLPPPGP[Gln10Arg]SFVHFTKQSL